The following is an entry in ClinVar:

ClinVar aggregate classification (germline): Uncertain significance (1 of 4 stars; one submission).

Submission:

GeneDx
Classification: Uncertain significance. Last evaluated: 2025-05-05. Review status: criteria provided, single submitter. Criteria: GeneDx Variant Classification Process June 2021. Collection method: clinical testing. Allele origin: germline.
Comment: Not observed at significant frequency in large population cohorts (gnomAD); In silico analysis supports that this missense variant has a deleterious effect on protein structure/function; Has not been previously published as pathogenic or benign to our knowledge

NM_207037.2(TCF12):c.1850T>G (p.Ile617Ser)

Gene: TCF12 (transcription factor 12; plus strand). Cytogenetic location: 15q21.3.
Variant type: single nucleotide variant.
Coding change: c.1850T>G on transcript NM_207037.2 (MANE Select); coding-DNA position 1850, T replaced by G.
Protein change: p.Ile617Ser; replaces isoleucine 617 with serine.
Molecular consequence: missense variant.
Genome position (GRCh38, 1-based): chr15:57,273,134, T>G. VCF-style: chr15-57273134-T-G. GRCh37 (hg19) VCF-style: chr15-57565332-T-G.
Other names: c.1850T>G, p.Ile617Ser (NM_207036.2, NM_001322151.2, NM_001322159.3 and 1 more transcripts); c.1778T>G, p.Ile593Ser (NM_207038.2, NM_001322157.3, NM_001322165.2 and 1 more transcripts); c.1268T>G, p.Ile423Ser (NM_207040.2); c.1340T>G, p.Ile447Ser (NM_001306219.3); c.1070T>G, p.Ile357Ser (NM_001306220.3); c.1847T>G, p.Ile616Ser (NM_001322152.2, NM_001322161.2); c.1193T>G, p.Ile398Ser (NM_001322154.2); c.1676T>G, p.Ile559Ser (NM_001322156.2); and 2 more; short protein forms I357S, I398S, I423S, I447S, I535S, I559S, I593S, I605S.
Identifiers: ClinVar variation 2499414 (VCV002499414.2), dbSNP rs2551501262, ClinGen allele CA392592677.